The following is an entry in ClinVar:

ClinVar aggregate classification (germline): Conflicting classifications of pathogenicity. Review status: criteria provided, conflicting classifications (1 of 4 stars). 3 submissions from 3 submitters: Uncertain significance (1); Benign (1); Likely benign (1). Last evaluated 2026-01-20.

Conditions:
Rhizomelic chondrodysplasia punctata type 2 (RCDP2). Also called: DIHYDROXYACETONEPHOSPHATE ACYLTRANSFERASE DEFICIENCY; glyceronephosphate O-acyltransferase (GNPAT) deficiency; Glyceronephosphate O-acyltransferase deficiency; DHAPAT DEFICIENCY; PEROXISOMAL DIHYDROXYACETONEPHOSPHATE ACYLTRANSFERASE DEFICIENCY; Chondrodysplasia punctata, rhizomelic, due to dihydroxyacetonephosphate acyltransferase deficiency. Identifiers: Orphanet 177, Orphanet 309796, MedGen C1857242, MONDO:0100273, OMIM 222765. Disease mechanism: loss of function.

Allele frequency attached by ClinVar (database versions not stated): gnomAD 0.00014 and 0.00015; TOPMed 0.00017; ExAC 0.00021; ESP Exome Variant Server 0.00008; gnomAD exomes 0.00012 and 0.00022.
gnomAD v4.1: 215 of 1,613,108 alleles (0.013%); highest among the groups gnomAD compares: African/African-American, 0.0027%; 1 homozygote.

Submissions (3):

Labcorp Genetics (formerly Invitae), Labcorp
Classification: Benign. Last evaluated: 2026-01-20. Review status: criteria provided, single submitter. Criteria: Invitae Variant Classification Sherloc (09022015). Collection method: clinical testing. Allele origin: germline.

CeGaT Center for Human Genetics Tuebingen
Classification: Likely benign. Last evaluated: 2024-11-01. Review status: criteria provided, single submitter. Criteria: CeGaT Center For Human Genetics Tuebingen Variant Classification Criteria Version 2. Collection method: clinical testing. Allele origin: germline. Affected: yes. Observed: 1 variant allele.
Comment: GNPAT: BP4, BP7

Illumina Laboratory Services, Illumina
Classification: Uncertain significance for Rhizomelic chondrodysplasia punctata type 2. Last evaluated: 2018-01-12. Review status: criteria provided, single submitter. Criteria: ICSL Variant Classification Criteria 13 December 2019. Collection method: clinical testing. Allele origin: germline.

NM_014236.4(GNPAT):c.57C>T (p.Ser19=)

Gene: GNPAT (glyceronephosphate O-acyltransferase; plus strand). Cytogenetic location: 1q42.2.
Variant type: single nucleotide variant.
Coding change: c.57C>T on transcript NM_014236.4 (MANE Select); coding-DNA position 57, C replaced by T.
Protein change: p.Ser19=; no amino-acid change (serine 19 retained).
Molecular consequence: synonymous variant.
Genome position (GRCh38, 1-based): chr1:231,241,435, C>T. VCF-style: chr1-231241435-C-T. GRCh37 (hg19) VCF-style: chr1-231377181-C-T.
Other names: c.57C>T, p.Ser19= (NM_001316350.2).
Identifiers: ClinVar variation 296110 (VCV000296110.26), dbSNP rs199844062, ClinGen allele CA1451701.
Genomic context (GRCh38, chr1:231,241,435, plus strand): 5'-CACCATGGAGTCTTCCAGTTCATCTAACTCTTATTTCTCCGTTGGCCCAACCAGTCCCAG[C>T]GCTGTCGTGCTCCTCTACTCGGTAGGCGCCCAGGGAAAAGAGGCCCAGAGCGGAGCCGCG-3'
Protein context (NP_055051.1, residues 9-29): SYFSVGPTSP[Ser19=]AVVLLYSKEL